The following is an entry in ClinVar:

ClinVar aggregate classification (germline): Uncertain significance (1 of 4 stars; one submission).

Conditions:
Cardiovascular phenotype. Identifiers: MedGen CN230736.

Allele frequency attached by ClinVar (database versions not stated): gnomAD exomes below 0.00001.
gnomAD v4.1: 1 of 1,614,170 alleles (0.000062%); highest among the groups gnomAD compares: Non-Finnish European, 0.000085%; no homozygotes.

Submission:

Ambry Genetics
Classification: Uncertain significance for Cardiovascular phenotype. Last evaluated: 2023-06-03. Review status: criteria provided, single submitter. Criteria: Ambry Variant Classification Scheme 2023. Collection method: clinical testing. Allele origin: germline.
Comment: The p.E208K variant (also known as c.622G>A), located in coding exon 5 of the TBX5 gene, results from a G to A substitution at nucleotide position 622. The glutamic acid at codon 208 is replaced by lysine, an amino acid with similar properties. This amino acid position is conserved. In addition, this alteration is predicted to be deleterious by in silico analysis. Since supporting evidence is limited at this time, the clinical significance of this alteration remains unclear.

NM_181486.4(TBX5):c.622G>A (p.Glu208Lys)

Gene: TBX5 (T-box transcription factor 5; minus strand). Cytogenetic location: 12q24.21.
Variant type: single nucleotide variant.
Coding change: c.622G>A on transcript NM_181486.4 (MANE Select); coding-DNA position 622, G replaced by A.
Protein change: p.Glu208Lys; replaces glutamic acid 208 with lysine.
Molecular consequence: missense variant.
Genome position (GRCh38, 1-based): chr12:114,394,782, C>T on the plus strand (G>A on the coding strand, the complement: TBX5 is on the minus strand). VCF-style: chr12-114394782-C-T. GRCh37 (hg19) VCF-style: chr12-114832587-C-T.
Other names: c.622G>A, p.Glu208Lys (NM_000192.3); c.472G>A, p.Glu158Lys (NM_080717.4); short protein forms E158K, E208K.
Identifiers: ClinVar variation 2563134 (VCV002563134.2), dbSNP rs2540466920, ClinGen allele CA386861373.